The following is an entry in ClinVar:

NM_004046.6(ATP5F1A):c.173G>A (p.Arg58His)

Gene: ATP5F1A (ATP synthase F1 subunit alpha; minus strand). Cytogenetic location: 18q21.1.
Variant type: single nucleotide variant.
Coding change: c.173G>A on transcript NM_004046.6 (MANE Select); coding-DNA position 173, G replaced by A.
Protein change: p.Arg58His; replaces arginine 58 with histidine.
Molecular consequence: missense variant.
Genome position (GRCh38, 1-based): chr18:46,091,818, C>T on the plus strand (G>A on the coding strand, the complement: ATP5F1A is on the minus strand). VCF-style: chr18-46091818-C-T. GRCh37 (hg19) VCF-style: chr18-43671784-C-T.
Other names: c.23G>A, p.Arg8His (NM_001001935.3, NM_001257335.2); c.173G>A, p.Arg58His (NM_001001937.2, NM_001257334.2); short protein forms R8H, R58H.
Identifiers: ClinVar variation 4708480 (VCV004708480.1).

ClinVar aggregate classification (germline): Uncertain significance (1 of 4 stars; one submission).

gnomAD v4.1: 22 of 1,613,372 alleles (0.0014%); highest among the groups gnomAD compares: African/African-American, 0.004%; no homozygotes.

Submission:

Labcorp Genetics (formerly Invitae), Labcorp
Classification: Uncertain significance. Last evaluated: 2025-08-07. Review status: criteria provided, single submitter. Criteria: Invitae Variant Classification Sherloc (09022015). Collection method: clinical testing. Allele origin: germline.
Comment: This sequence change replaces arginine, which is basic and polar, with histidine, which is basic and polar, at codon 58 of the ATP5A1 protein (p.Arg58His). This variant is present in population databases (rs150488495, gnomAD 0.01%). This variant has not been reported in the literature in individuals affected with ATP5A1-related conditions. An algorithm developed to predict the effect of missense changes on protein structure and function (PolyPhen-2) suggests that this variant is likely to be tolerated. In summary, the available evidence is currently insufficient to determine the role of this variant in disease. Therefore, it has been classified as a Variant of Uncertain Significance.